The following is an entry in ClinVar:

NM_025074.7(FRAS1):c.10261C>T (p.Arg3421Ter)

Gene: FRAS1 (Fraser extracellular matrix complex subunit 1; plus strand). Cytogenetic location: 4q21.21.
Variant type: single nucleotide variant.
Coding change: c.10261C>T on transcript NM_025074.7 (MANE Select); coding-DNA position 10261, C replaced by T.
Protein change: p.Arg3421Ter; replaces arginine 3421 with a stop codon.
Molecular consequence: nonsense.
Genome position (GRCh38, 1-based): chr4:78,515,885, C>T. VCF-style: chr4-78515885-C-T. GRCh37 (hg19) VCF-style: chr4-79437039-C-T.
Other names: short protein forms R3421*.
Identifiers: ClinVar variation 1302906 (VCV001302906.7), dbSNP rs201947516, ClinGen allele CA2978906.
Genomic context (GRCh38, chr4:78,515,885, plus strand): 5'-TATGATAGCACTGCCCTGGGGCCTGGCTACGATCGCCCCTTCCAGTTTGACCCCAGCGTG[C>T]GAGAGCCGAAGACCATCCAGCTCTACAAACACCTGAACCTGAAGAGCTGCGTGTGGACCT-3'

ClinVar aggregate classification (germline): Pathogenic/Likely pathogenic. Review status: criteria provided, multiple submitters, no conflicts (2 of 4 stars). 3 submissions from 3 submitters: Pathogenic (2); Likely pathogenic (1). Last evaluated 2024-05-08.

Conditions:
Fraser syndrome 1 (FRASRS1). Also called: CRYPTOPHTHALMOS WITH OTHER MALFORMATIONS. Identifiers: Orphanet 2052, MedGen C4551480, MONDO:0054737, OMIM 219000.

Allele frequency attached by ClinVar (database versions not stated): gnomAD 0.00001; TOPMed 0.00001; gnomAD exomes 0.00002 and 0.00003; ExAC 0.00006; ESP Exome Variant Server 0.00016; 1000 Genomes Project 0.00020; 1000 Genomes Project 30x 0.00031.
gnomAD v4.1: 12 of 1,613,964 alleles (0.00074%); highest among the groups gnomAD compares: South Asian, 0.0033%; no homozygotes.

Submissions (3):

Fulgent Genetics
Classification: Pathogenic for Fraser syndrome 1. Last evaluated: 2024-05-08. Review status: criteria provided, single submitter. Criteria: ACMG Guidelines, 2015. Collection method: clinical testing. Allele origin: germline.

Labcorp Genetics (formerly Invitae), Labcorp
Classification: Pathogenic. Last evaluated: 2023-11-02. Review status: criteria provided, single submitter. Criteria: Invitae Variant Classification Sherloc (09022015). Collection method: clinical testing. Allele origin: germline.
Comment: This sequence change creates a premature translational stop signal (p.Arg3421*) in the FRAS1 gene. It is expected to result in an absent or disrupted protein product. Loss-of-function variants in FRAS1 are known to be pathogenic (PMID: 12766769, 18671281). This variant is present in population databases (rs201947516, gnomAD 0.01%). This premature translational stop signal has been observed in individual(s) with Fraser syndrome (PMID: 18671281, 32488952). ClinVar contains an entry for this variant (Variation ID: 1302906). For these reasons, this variant has been classified as Pathogenic.

GeneDx
Classification: Likely pathogenic. Last evaluated: 2023-05-08. Review status: criteria provided, single submitter. Criteria: GeneDx Variant Classification Process June 2021. Collection method: clinical testing. Allele origin: germline. Affected: yes.
Comment: Nonsense variant predicted to result in protein truncation or nonsense mediated decay in a gene for which loss-of-function is a known mechanism of disease; This variant is associated with the following publications: (PMID: 25525159, 32488952, 18671281)

Literature cited by the submitters: PubMed 12766769 (cited by Labcorp Genetics (formerly Invitae), Labcorp); PubMed 18671281 (cited by Labcorp Genetics (formerly Invitae), Labcorp); PubMed 32488952 (cited by Labcorp Genetics (formerly Invitae), Labcorp).